The following is an entry in ClinVar:

NM_182961.4(SYNE1):c.1284A>C (p.Glu428Asp)

Gene: SYNE1 (spectrin repeat containing nuclear envelope protein 1; minus strand). Cytogenetic location: 6q25.2.
Variant type: single nucleotide variant.
Coding change: c.1284A>C on transcript NM_182961.4 (MANE Select); coding-DNA position 1284, A replaced by C.
Protein change: p.Glu428Asp; replaces glutamic acid 428 with aspartic acid.
Molecular consequence: missense variant.
Genome position (GRCh38, 1-based): chr6:152,483,151, T>G on the plus strand (A>C on the coding strand, the complement: SYNE1 is on the minus strand). VCF-style: chr6-152483151-T-G. GRCh37 (hg19) VCF-style: chr6-152804286-T-G.
Other names: c.1305A>C, p.Glu435Asp (NM_033071.5); short protein forms E428D, E435D.
Identifiers: ClinVar variation 1931178 (VCV001931178.5), dbSNP rs2098918231, ClinGen allele CA366140011.
Genomic context (GRCh38, chr6:152,483,151, plus strand): 5'-TTGCTCAAGTTTCCGTTGTATCGTGTTTGCTGTTTCCTCGTGGACCTGTTGAACGGTTAT[T>G]TCCTCTCTCAGGGCCACCTCCGCTCTGTACAGCCAGGCACCTATGGTGCCCAGAGGTGCA-3'
Protein context (NP_892006.3, residues 418-438): LYRAEVALRE[Glu428Asp]ITVQQVHEET

ClinVar aggregate classification (germline): Uncertain significance (1 of 4 stars; one submission).

Conditions:
Emery-Dreifuss muscular dystrophy 4, autosomal dominant (EDMD4). Also called: EMERY-DREIFUSS MUSCULAR DYSTROPHY 4 WITH VARIABLE FEATURES. Identifiers: Orphanet 261, MedGen C2751807, MONDO:0013071, OMIM 612998.
Autosomal recessive ataxia, Beauce type. Also called: SYNE1 Deficiency; Spinocerebellar ataxia, autosomal recessive 8; ATAXIA, RECESSIVE, OF BEAUCE; SYNE1-Related Autosomal Recessive Cerebellar Ataxia. Identifiers: Orphanet 88644, MedGen C1853116, MONDO:0012549, OMIM 610743.

Submission:

Labcorp Genetics (formerly Invitae), Labcorp
Classification: Uncertain significance for Emery-Dreifuss muscular dystrophy 4, autosomal dominant; Autosomal recessive ataxia, Beauce type. Last evaluated: 2024-10-26. Review status: criteria provided, single submitter. Criteria: Invitae Variant Classification Sherloc (09022015). Collection method: clinical testing. Allele origin: germline.
Comment: This sequence change replaces glutamic acid, which is acidic and polar, with aspartic acid, which is acidic and polar, at codon 435 of the SYNE1 protein (p.Glu435Asp). This variant is not present in population databases (gnomAD no frequency). This variant has not been reported in the literature in individuals affected with SYNE1-related conditions. ClinVar contains an entry for this variant (Variation ID: 1931178). An algorithm developed to predict the effect of missense changes on protein structure and function (PolyPhen-2) suggests that this variant is likely to be tolerated. In summary, the available evidence is currently insufficient to determine the role of this variant in disease. Therefore, it has been classified as a Variant of Uncertain Significance.